The following is an entry in ClinVar:

NM_080425.4(GNAS):c.2054G>A (p.Arg685His)

Gene: GNAS (GNAS complex locus; plus strand). Cytogenetic location: 20q13.32.
Variant type: single nucleotide variant.
Coding change: c.2054G>A on transcript NM_080425.4 (MANE Plus Clinical); coding-DNA position 2054, G replaced by A.
Protein change: p.Arg685His; replaces arginine 685 with histidine.
Molecular consequence: missense variant. On other transcripts: intron variant (3).
Genome position (GRCh38, 1-based): chr20:58,855,319, G>A. VCF-style: chr20-58855319-G-A. GRCh37 (hg19) VCF-style: chr20-57430374-G-A.
Other names: c.1867G>A, p.Ala623Thr (NM_001077490.3, NM_001309883.1); c.2054G>A, p.Arg685His (NM_001410913.1); c.*42+14433G>A (NM_016592.5); c.43+14433G>A (NM_001410912.1); c.-39+13444G>A (NM_001309861.2); short protein forms A623T, R685H.
Identifiers: ClinVar variation 4083289 (VCV004083289.1).

ClinVar aggregate classification (germline): Uncertain significance (1 of 4 stars; one submission).

gnomAD v4.1: 1 of 1,572,482 alleles (0.000064%); highest among the groups gnomAD compares: South Asian, 0.0012%; no homozygotes.

Submission:

GeneDx
Classification: Uncertain significance. Last evaluated: 2025-03-13. Review status: criteria provided, single submitter. Criteria: GeneDx Variant Classification Process June 2021. Collection method: clinical testing. Allele origin: germline. Affected: yes.
Comment: Not observed at significant frequency in large population cohorts (gnomAD); In silico analysis supports that this missense variant has a deleterious effect on protein structure/function; Has not been previously published as pathogenic or benign to our knowledge; Reported using an alternate transcript of the gene